The following is an entry in ClinVar:

NM_005534.4(IFNGR2):c.24GCT[6] (p.Leu13dup)

Genes: IFNGR2 (interferon gamma receptor 2; plus strand), LOC119266102 (IFNGR2 promoter region; plus strand). Cytogenetic location: 21q22.11.
Variant type: Microsatellite.
Coding change: c.24GCT[6] on transcript NM_005534.4 (MANE Select); six copies in a row of the 3-base unit GCT starting at c.24; the reference has five copies in a row; one copy, 3 bases duplicated.
Protein change: p.Leu13dup; duplicates leucine 13.
Molecular consequence: inframe insertion.
Genome position (GRCh38, 1-based): chr21:33,403,579-33,403,581, GCT duplicated; duplicating any 3 consecutive bases within chr21:33,403,567-33,403,581 gives the same sequence; the position shown is the placement nearest the transcript's 3' end. VCF-style (leftmost placement, unchanged base first): chr21-33403566-C-CGCT. GRCh37 (hg19) VCF-style: chr21-34775872-C-CGCT.
Other names: c.24GCT[6], p.Leu13dup (NM_001329128.2).
Identifiers: ClinVar variation 1368211 (VCV001368211.6), dbSNP rs753866192, ClinGen allele CA10006827.

ClinVar aggregate classification (germline): Uncertain significance (1 of 4 stars; one submission).

Conditions:
Immunodeficiency 28 (IMD28). Also called: IFNGR2 DEFICIENCY. Identifiers: Orphanet 319547, Orphanet 319574, MedGen C4013947, MONDO:0013953, OMIM 614889.

Submission:

Labcorp Genetics (formerly Invitae), Labcorp
Classification: Uncertain significance for Immunodeficiency 28. Last evaluated: 2025-01-10. Review status: criteria provided, single submitter. Criteria: Invitae Variant Classification Sherloc (09022015). Collection method: clinical testing. Allele origin: germline.
Comment: This variant, c.36_38dup, results in the insertion of 1 amino acid(s) of the IFNGR2 protein (p.Leu13dup), but otherwise preserves the integrity of the reading frame. The frequency data for this variant in the population databases is considered unreliable, as metrics indicate poor data quality at this position in the gnomAD database. This variant has not been reported in the literature in individuals affected with IFNGR2-related conditions. Experimental studies and prediction algorithms are not available or were not evaluated, and the functional significance of this variant is currently unknown. In summary, the available evidence is currently insufficient to determine the role of this variant in disease. Therefore, it has been classified as a Variant of Uncertain Significance.